The following is an entry in ClinVar:

NM_001159699.2(FHL1):c.427T>C (p.Phe143Leu)

Gene: FHL1 (four and a half LIM domains 1; plus strand). Cytogenetic location: Xq26.3.
Variant type: single nucleotide variant.
Coding change: c.427T>C on transcript NM_001159699.2 (MANE Select); coding-DNA position 427, T replaced by C.
Protein change: p.Phe143Leu; replaces phenylalanine 143 with leucine.
Molecular consequence: missense variant. On other transcripts: non-coding transcript variant (1).
Genome position (GRCh38, 1-based): chrX:136,207,839, T>C. VCF-style: chrX-136207839-T-C. GRCh37 (hg19) VCF-style: chrX-135289998-T-C.
Other names: c.379T>C, p.Phe127Leu (NM_001167819.1, NM_001369326.1, NM_001369327.2 and 9 more transcripts); c.427T>C, p.Phe143Leu (NM_001330659.2); c.466T>C, p.Phe156Leu (NM_001159701.2); short protein forms F127L, F156L, F143L.
Identifiers: ClinVar variation 646065 (VCV000646065.8), dbSNP rs1603271576, ClinGen allele CA414608390.

ClinVar aggregate classification (germline): Uncertain significance (1 of 4 stars; one submission).

Conditions:
X-linked myopathy with postural muscle atrophy. Also called: FHL1-Related Emery-Dreifuss Muscular Dystrophy, X-Linked. Identifiers: Orphanet 178461, MedGen C2678055, MONDO:0010401, OMIM 300696.

Submission:

Labcorp Genetics (formerly Invitae), Labcorp
Classification: Uncertain significance for X-linked myopathy with postural muscle atrophy. Last evaluated: 2025-04-30. Review status: criteria provided, single submitter. Criteria: Invitae Variant Classification Sherloc (09022015). Collection method: clinical testing. Allele origin: germline.
Comment: This sequence change replaces phenylalanine, which is neutral and non-polar, with leucine, which is neutral and non-polar, at codon 127 of the FHL1 protein (p.Phe127Leu). This variant is not present in population databases (gnomAD no frequency). This variant has not been reported in the literature in individuals affected with FHL1-related conditions. ClinVar contains an entry for this variant (Variation ID: 646065). An algorithm developed to predict the effect of missense changes on protein structure and function (PolyPhen-2) suggests that this variant is likely to be disruptive. In summary, the available evidence is currently insufficient to determine the role of this variant in disease. Therefore, it has been classified as a Variant of Uncertain Significance.